The following is an entry in ClinVar:

NM_019098.5(CNGB3):c.1908del (p.Ile637fs)

Gene: CNGB3 (cyclic nucleotide gated channel subunit beta 3; minus strand). Cytogenetic location: 8q21.3.
Variant type: Deletion.
Coding change: c.1908del on transcript NM_019098.5 (MANE Select); coding-DNA position 1908, one base deleted (G; older notation c.1908delG).
Protein change: p.Ile637fs; shifts the reading frame from isoleucine 637.
Molecular consequence: frameshift variant.
Genome position (GRCh38, 1-based): chr8:86,579,126, C deleted on the plus strand (G on the coding strand, the reverse complement: CNGB3 is on the minus strand); the first of 2 consecutive C bases (chr8:86,579,126-86,579,127); deleting either gives the same sequence. VCF-style (leftmost placement, unchanged base first): chr8-86579125-TC-T. GRCh37 (hg19) VCF-style: chr8-87591353-TC-T.
Other names: c.1908delG (NM_019098.4); short protein forms I637fs.
Identifiers: ClinVar variation 370539 (VCV000370539.8), dbSNP rs1057516571, ClinGen allele CA16041189.
Genomic context (GRCh38, chr8:86,579,125, plus strand): 5'-ACCAACTCCATCCATCTCTAATGGTGTTTTAAAGGTTGTACCTGGCTTTCTTCATGAGGA[TC>T]CTTTCAGAATCTGGATAATGCACTAGAATTTCTTGGAGGGTCTTTTTGTCTAGAGTTAAA-3'

ClinVar aggregate classification (germline): Pathogenic. Review status: criteria provided, single submitter (1 of 4 stars). 2 submissions from 2 submitters: Pathogenic (1). 1 of the submissions does not count toward it. Last evaluated 2021-01-26.

Conditions:
Achromatopsia 3 (ACHM3). Also called: ACHROMATOPSIA WITH MYOPIA; PINGELAPESE BLINDNESS; TOTAL COLORBLINDNESS WITH MYOPIA; ROD MONOCHROMACY 1; ROD MONOCHROMATISM 1. Identifiers: Orphanet 49382, MedGen C1849792, MONDO:0009875, OMIM 262300.

Submissions (2):

Labcorp Genetics (formerly Invitae), Labcorp
Classification: Pathogenic. Last evaluated: 2021-01-26. Review status: criteria provided, single submitter. Criteria: Invitae Variant Classification Sherloc (09022015). Collection method: clinical testing. Allele origin: germline.
Comment: This variant has not been reported in the literature in individuals with CNGB3-related conditions. ClinVar contains an entry for this variant (Variation ID: 370539). For these reasons, this variant has been classified as Pathogenic. This variant is not present in population databases (ExAC no frequency). This sequence change creates a premature translational stop signal (p.Ile637Serfs*3) in the CNGB3 gene. It is expected to result in an absent or disrupted protein product. Loss-of-function variants in CNGB3 are known to be pathogenic (PMID: 28795510).

Counsyl
Classification: Likely pathogenic for Achromatopsia 3. Last evaluated: 2016-02-25. Review status: no assertion criteria provided. Collection method: clinical testing. Allele origin: unknown. Not counted in ClinVar's aggregate classification.

Literature cited by the submitters: PubMed 28795510 (cited by Labcorp Genetics (formerly Invitae), Labcorp).